The following is an entry in ClinVar:

NM_000629.3(IFNAR1):c.1028G>C (p.Ser343Thr)

Gene: IFNAR1 (interferon alpha and beta receptor subunit 1; plus strand). Cytogenetic location: 21q22.11.
Variant type: single nucleotide variant.
Coding change: c.1028G>C on transcript NM_000629.3 (MANE Select); coding-DNA position 1028, G replaced by C.
Protein change: p.Ser343Thr; replaces serine 343 with threonine.
Molecular consequence: missense variant.
Genome position (GRCh38, 1-based): chr21:33,349,428, G>C. VCF-style: chr21-33349428-G-C. GRCh37 (hg19) VCF-style: chr21-34721734-G-C.
Other names: c.1028G>C, p.Ser343Thr (NM_001384498.1, NM_001384499.1, NM_001384503.1); c.266G>C, p.Ser89Thr (NM_001384500.1); c.1013G>C, p.Ser338Thr (NM_001384501.1); c.566G>C, p.Ser189Thr (NM_001384502.1); c.821G>C, p.Ser274Thr (NM_001384504.1); c.1028G>C (NM_000629.2); short protein forms S189T, S274T, S338T, S343T, S89T.
Identifiers: ClinVar variation 1509833 (VCV001509833.7), dbSNP rs376589342, ClinGen allele CA10006644.

ClinVar aggregate classification (germline): Uncertain significance. Review status: criteria provided, multiple submitters, no conflicts (2 of 4 stars). 2 submissions from 2 submitters: Uncertain significance (2). Last evaluated 2025-08-21.

Allele frequency attached by ClinVar (database versions not stated): gnomAD exomes below 0.00001 and 0.00001; ExAC 0.00001; gnomAD 0.00002; TOPMed 0.00002; ESP Exome Variant Server 0.00008.
gnomAD v4.1: 8 of 1,610,660 alleles (0.0005%); highest among the groups gnomAD compares: Non-Finnish European, 0.00068%; no homozygotes.

Submissions (2):

Ambry Genetics
Classification: Uncertain significance. Last evaluated: 2025-08-21. Review status: criteria provided, single submitter. Criteria: Ambry Variant Classification Scheme 2023. Collection method: clinical testing. Allele origin: germline.

Labcorp Genetics (formerly Invitae), Labcorp
Classification: Uncertain significance. Last evaluated: 2021-10-09. Review status: criteria provided, single submitter. Criteria: Invitae Variant Classification Sherloc (09022015). Collection method: clinical testing. Allele origin: germline.
Comment: This variant is present in population databases (rs376589342, ExAC 0.002%). This sequence change replaces serine with threonine at codon 343 of the IFNAR1 protein (p.Ser343Thr). The serine residue is moderately conserved and there is a small physicochemical difference between serine and threonine. This variant has not been reported in the literature in individuals affected with IFNAR1-related conditions. In summary, the available evidence is currently insufficient to determine the role of this variant in disease. Therefore, it has been classified as a Variant of Uncertain Significance. Algorithms developed to predict the effect of missense changes on protein structure and function output the following: SIFT: "Tolerated"; PolyPhen-2: "Benign"; Align-GVGD: "Class C0". The threonine amino acid residue is found in multiple mammalian species, which suggests that this missense change does not adversely affect protein function.